The following is an entry in ClinVar:

ClinVar aggregate classification (germline): Uncertain significance. Review status: criteria provided, multiple submitters, no conflicts (2 of 4 stars). 4 submissions from 4 submitters: Uncertain significance (4). Last evaluated 2025-12-02.

Conditions:
Hereditary nonpolyposis colorectal neoplasms. Identifiers: MedGen C0009405, MeSH D003123.
Hereditary cancer-predisposing syndrome. Also called: Tumor predisposition; Hereditary Cancer Syndrome; Hereditary neoplastic syndrome; Neoplastic Syndromes, Hereditary. Identifiers: Orphanet 140162, MedGen C0027672, MeSH D009386, MONDO:0015356.

Allele frequency attached by ClinVar (database versions not stated): TOPMed below 0.00001.

Submissions (4):

Labcorp Genetics (formerly Invitae), Labcorp
Classification: Uncertain significance for Hereditary nonpolyposis colorectal neoplasms. Last evaluated: 2025-12-02. Review status: criteria provided, single submitter. Criteria: Invitae Variant Classification Sherloc (09022015). Collection method: clinical testing. Allele origin: germline.
Comment: This sequence change replaces methionine, which is neutral and non-polar, with valine, which is neutral and non-polar, at codon 1156 of the MSH6 protein (p.Met1156Val). This variant is not present in population databases (gnomAD no frequency). This variant has not been reported in the literature in individuals affected with MSH6-related conditions. ClinVar contains an entry for this variant (Variation ID: 410502). Invitae Evidence Modeling of protein sequence and biophysical properties (such as structural, functional, and spatial information, amino acid conservation, physicochemical variation, residue mobility, and thermodynamic stability) indicates that this missense variant is not expected to disrupt MSH6 protein function with a negative predictive value of 95%. In summary, the available evidence is currently insufficient to determine the role of this variant in disease. Therefore, it has been classified as a Variant of Uncertain Significance.

Ambry Genetics
Classification: Uncertain significance for Hereditary cancer-predisposing syndrome. Last evaluated: 2023-02-21. Review status: criteria provided, single submitter. Criteria: Ambry Variant Classification Scheme 2023. Collection method: clinical testing. Allele origin: germline.
Comment: The p.M1156V variant (also known as c.3466A>G), located in coding exon 6 of the MSH6 gene, results from an A to G substitution at nucleotide position 3466. The methionine at codon 1156 is replaced by valine, an amino acid with highly similar properties. This amino acid position is not well conserved in available vertebrate species. In addition, the in silico prediction for this alteration is inconclusive. Since supporting evidence is limited at this time, the clinical significance of this alteration remains unclear.

GeneDx
Classification: Uncertain significance. Last evaluated: 2021-09-16. Review status: criteria provided, single submitter. Criteria: GeneDx Variant Classification Process June 2021. Collection method: clinical testing. Allele origin: germline. Affected: yes.
Comment: Not observed in large population cohorts (Lek e2016); In silico analysis supports that this missense variant does not alter protein structure/function; In silico analysis suggests this variant may impact gene splicing. In the absence of RNA/functional studies, the actual effect of this sequence change is unknown.; Has not been previously published as pathogenic or benign to our knowledge; This variant is associated with the following publications: (PMID: 21120944, 17531815)

Sema4
Classification: Uncertain significance for Hereditary cancer-predisposing syndrome. Last evaluated: 2021-04-22. Review status: criteria provided, single submitter. Criteria: Sema4 Curation Guidelines. Collection method: curation. Allele origin: germline.
Comment: The MSH6 c.3466A>G (p.M1156V) variant has not been reported in the literature to our knowledge. It was not observed in the large and broad cohorts of the Genome Aggregation Database (PMID: 32461654). The variant has been reported in ClinVar (Variation ID 410502). Functional studies have not been performed, and in silico predictions of the variant's effect on protein function are inconclusive. The evidence is insufficient to meet ACMG/AMP criteria for classifying the variant as benign or pathogenic. Thus, the clinical significance of this variant is currently uncertain.

NM_000179.3(MSH6):c.3466A>G (p.Met1156Val)

Gene: MSH6 (mutS homolog 6; plus strand). Cytogenetic location: 2p16.3.
Variant type: single nucleotide variant.
Coding change: c.3466A>G on transcript NM_000179.3 (MANE Select); coding-DNA position 3466, A replaced by G.
Protein change: p.Met1156Val; replaces methionine 1156 with valine.
Molecular consequence: missense variant.
Genome position (GRCh38, 1-based): chr2:47,804,937, A>G. VCF-style: chr2-47804937-A-G. GRCh37 (hg19) VCF-style: chr2-48032076-A-G.
Other names: c.3076A>G, p.Met1026Val (NM_001281492.2); c.2560A>G, p.Met854Val (NM_001281493.2, NM_001281494.2); short protein forms M1156V, M1026V, M854V.
Identifiers: ClinVar variation 410502 (VCV000410502.18), dbSNP rs1060502931, ClinGen allele CA16611165.
Genomic context (GRCh38, chr2:47,804,937, plus strand): 5'-GTCATAAAAGACCTTTTCCTCCCTCATTCACAGGCTGGCTTATTAGCTGTAATGGCCCAG[A>G]TGGGTTGTTACGTCCCTGCTGAAGTGTGCAGGCTCACACCAATTGATAGAGTGTTTACTA-3'
Protein context (NP_000170.1, residues 1146-1166): QAGLLAVMAQ[Met1156Val]GCYVPAEVCR